The following is an entry in ClinVar:

ClinVar aggregate classification (germline): Uncertain significance (1 of 4 stars; one submission).

Conditions:
Hereditary cancer-predisposing syndrome. Also called: Hereditary Cancer Syndrome; Hereditary neoplastic syndrome; Tumor predisposition; Neoplastic Syndromes, Hereditary. Identifiers: Orphanet 140162, MedGen C0027672, MeSH D009386, MONDO:0015356.

Submission:

Labcorp Genetics (formerly Invitae), Labcorp
Classification: Uncertain significance for Hereditary cancer-predisposing syndrome. Last evaluated: 2019-05-23. Review status: criteria provided, single submitter. Criteria: Invitae Variant Classification Sherloc (09022015). Collection method: clinical testing. Allele origin: germline.
Comment: In summary, the available evidence is currently insufficient to determine the role of this variant in disease. Therefore, it has been classified as a Variant of Uncertain Significance. Algorithms developed to predict the effect of missense changes on protein structure and function are either unavailable or do not agree on the potential impact of this missense change (SIFT: "Deleterious"; PolyPhen-2: "Benign"; Align-GVGD: "Class C15"). This variant has not been reported in the literature in individuals with RAD50-related conditions. This variant is not present in population databases (ExAC no frequency). This sequence change replaces aspartic acid with phenylalanine at codon 675 of the RAD50 protein (p.Asp675Phe). The aspartic acid residue is moderately conserved and there is a large physicochemical difference between aspartic acid and phenylalanine.

NM_005732.4(RAD50):c.2023_2024delinsTT (p.Asp675Phe)

Gene: RAD50 (RAD50 double strand break repair protein; plus strand). Cytogenetic location: 5q31.1.
Variant type: Indel.
Coding change: c.2023_2024delinsTT on transcript NM_005732.4 (MANE Select); coding-DNA positions 2023 to 2024, GA replaced by TT.
Protein change: p.Asp675Phe; replaces aspartic acid 675 with phenylalanine.
Molecular consequence: missense variant.
Genome position (GRCh38, 1-based): chr5:132,595,626-132,595,627, GA replaced by TT. VCF-style: chr5-132595626-GA-TT. GRCh37 (hg19) VCF-style: chr5-131931318-GA-TT.
Other names: short protein forms D675F.
Identifiers: ClinVar variation 841882 (VCV000841882.8), dbSNP rs1750777127, ClinGen allele CA916082768.